The following is an entry in ClinVar:

ClinVar aggregate classification (germline): Uncertain significance. Review status: criteria provided, multiple submitters, no conflicts (2 of 4 stars). 3 submissions from 3 submitters: Uncertain significance (3). Last evaluated 2025-09-13.

Conditions:
Malignant hyperthermia, susceptibility to, 1 (MHS1). Also called: Anesthesia related hyperthermia; Malignant hyperpyrexia; Fulminating hyperpyrexia; Pharmacogenic myopathy; Malignant hyperthermia suceptibility 1; RYR1-Related Malignant Hyperthermia Susceptibility. Identifiers: Orphanet 423, MedGen C2930980, MONDO:0007783, OMIM 145600.
RYR1-related disorder. Also called: RYR1-related condition; RYR1-related disorders. Identifiers: MedGen CN239331.

Allele frequency attached by ClinVar (database versions not stated): ExAC 0.00001; TOPMed 0.00001; gnomAD 0.00002.
gnomAD v4.1: 12 of 1,613,970 alleles (0.00074%); highest among the groups gnomAD compares: African/African-American, 0.004%; no homozygotes.

Submissions (3):

Labcorp Genetics (formerly Invitae), Labcorp
Classification: Uncertain significance for RYR1-related disorder. Last evaluated: 2025-09-13. Review status: criteria provided, single submitter. Criteria: Invitae Variant Classification Sherloc (09022015). Collection method: clinical testing. Allele origin: germline.
Comment: This sequence change replaces valine, which is neutral and non-polar, with isoleucine, which is neutral and non-polar, at codon 164 of the RYR1 protein (p.Val164Ile). This variant is present in population databases (rs776807425, gnomAD 0.005%). This variant has not been reported in the literature in individuals affected with RYR1-related conditions. ClinVar contains an entry for this variant (Variation ID: 2715243). Invitae Evidence Modeling of protein sequence and biophysical properties (such as structural, functional, and spatial information, amino acid conservation, physicochemical variation, residue mobility, and thermodynamic stability) indicates that this missense variant is not expected to disrupt RYR1 protein function with a negative predictive value of 95%. In summary, the available evidence is currently insufficient to determine the role of this variant in disease. Therefore, it has been classified as a Variant of Uncertain Significance.

All of Us Research Program, National Institutes of Health
Classification: Uncertain significance for Malignant hyperthermia, susceptibility to, 1. Last evaluated: 2024-08-06. Review status: criteria provided, single submitter. Criteria: ACMG Guidelines, 2015. Collection method: clinical testing. Allele origin: germline. Inheritance: Autosomal dominant inheritance. Observed: 4 variant alleles, 4 heterozygotes.
Comment: This missense variant replaces valine with isoleucine at codon 164 of the RYR1 protein. Computational prediction suggests that this variant may not impact protein structure and function (internally defined REVEL score threshold <= 0.5, PMID: 27666373). To our knowledge, functional studies have not been reported for this variant. This variant has not been reported in individuals affected with RYR1-related disorders in the literature. This variant has been identified in 2/282752 chromosomes in the general population by the Genome Aggregation Database (gnomAD). The available evidence is insufficient to determine the role of this variant in disease conclusively. Therefore, this variant is classified as a Variant of Uncertain Significance.

This study involves interpretation of variants in research participants for the purpose of population health screening. Participant phenotype was not available at the time of variant classification. Additional details can be found in publication PMID: 35346344, PMCID: PMC8962531

Color Diagnostics, LLC DBA Color Health
Classification: Uncertain significance for Malignant hyperthermia, susceptibility to, 1. Last evaluated: 2024-02-14. Review status: criteria provided, single submitter. Criteria: ACMG Guidelines, 2015. Collection method: clinical testing. Allele origin: germline.
Comment: This missense variant replaces valine with isoleucine at codon 164 of the RYR1 protein. Computational prediction suggests that this variant may not impact protein structure and function. To our knowledge, functional studies have not been reported for this variant. This variant has not been reported in individuals affected with RYR1-related disorders in the literature. This variant has been identified in 2/282752 chromosomes in the general population by the Genome Aggregation Database (gnomAD). The available evidence is insufficient to determine the role of this variant in disease conclusively. Therefore, this variant is classified as a Variant of Uncertain Significance.

NM_000540.3(RYR1):c.490G>A (p.Val164Ile)

Gene: RYR1 (ryanodine receptor 1; plus strand). Cytogenetic location: 19q13.2.
Variant type: single nucleotide variant.
Coding change: c.490G>A on transcript NM_000540.3 (MANE Select); coding-DNA position 490, G replaced by A.
Protein change: p.Val164Ile; replaces valine 164 with isoleucine.
Molecular consequence: missense variant.
Genome position (GRCh38, 1-based): chr19:38,444,214, G>A. VCF-style: chr19-38444214-G-A. GRCh37 (hg19) VCF-style: chr19-38934854-G-A.
Other names: c.490G>A, p.Val164Ile (NM_001042723.2); short protein forms V164I.
Identifiers: ClinVar variation 2715243 (VCV002715243.6), dbSNP rs776807425, ClinGen allele CA066506.
Genomic context (GRCh38, chr19:38,444,214, plus strand): 5'-GCTTGCTGGTGGACCATGCACCCAGCCTCCAAGCAGAGGTCTGAAGGAGAAAAGGTCCGC[G>A]TTGGGGATGACATCATCCTTGTCAGTGTCTCCTCCGAGCGCTACCTGGTGAGCCATTGCG-3'
Protein context (NP_000531.2, residues 154-174): KQRSEGEKVR[Val164Ile]GDDIILVSVS